The following is an entry in ClinVar:

ClinVar aggregate classification (germline): Uncertain significance (1 of 4 stars; one submission).

Conditions:
Inborn genetic diseases. Identifiers: MedGen C0950123, MeSH D030342.

Submission:

Ambry Genetics
Classification: Uncertain significance for Inborn genetic diseases. Last evaluated: 2025-09-27. Review status: criteria provided, single submitter. Criteria: Ambry Variant Classification Scheme 2023. Collection method: clinical testing. Allele origin: germline.
Comment: The p.I654T variant (also known as c.1961T>C), located in coding exon 1 of the SAMD9 gene, results from a T to C substitution at nucleotide position 1961. The isoleucine at codon 654 is replaced by threonine, an amino acid with similar properties. This amino acid position is conserved. In addition, the in silico prediction for this alteration is inconclusive. Based on the available evidence, the clinical significance of this variant remains unclear.

NM_017654.4(SAMD9):c.1961T>C (p.Ile654Thr)

Gene: SAMD9 (sterile alpha motif domain containing 9; minus strand). Cytogenetic location: 7q21.2.
Variant type: single nucleotide variant.
Coding change: c.1961T>C on transcript NM_017654.4 (MANE Select); coding-DNA position 1961, T replaced by C.
Protein change: p.Ile654Thr; replaces isoleucine 654 with threonine.
Molecular consequence: missense variant.
Genome position (GRCh38, 1-based): chr7:93,104,137, A>G on the plus strand (T>C on the coding strand, the complement: SAMD9 is on the minus strand). VCF-style: chr7-93104137-A-G. GRCh37 (hg19) VCF-style: chr7-92733450-A-G.
Other names: c.1961T>C, p.Ile654Thr (NM_001193307.2); short protein forms I654T.
Identifiers: ClinVar variation 4629835 (VCV004629835.1).